The following is an entry in ClinVar:

ClinVar aggregate classification (germline): Pathogenic (1 of 4 stars; one submission).

Submission:

CeGaT Center for Human Genetics Tuebingen
Classification: Pathogenic. Last evaluated: 2025-09-01. Review status: criteria provided, single submitter. Criteria: CeGaT Center For Human Genetics Tuebingen Variant Classification Criteria Version 2. Collection method: clinical testing. Allele origin: germline. Affected: yes. Observed: 1 variant allele.
Comment: SMARCA2: PM1, PM2, PS1:Moderate, PS2:Moderate, PP2, PP3

NM_003070.5(SMARCA2):c.3438C>G (p.Ser1146Arg)

Gene: SMARCA2 (SWI/SNF related BAF chromatin remodeling complex subunit ATPase 2; plus strand). Cytogenetic location: 9p24.3.
Variant type: single nucleotide variant.
Coding change: c.3438C>G on transcript NM_003070.5 (MANE Select); coding-DNA position 3438, C replaced by G.
Protein change: p.Ser1146Arg; replaces serine 1146 with arginine.
Molecular consequence: missense variant.
Genome position (GRCh38, 1-based): chr9:2,110,399, C>G. VCF-style: chr9-2110399-C-G. GRCh37 (hg19) VCF-style: chr9-2110399-C-G.
Other names: c.3438C>G, p.Ser1146Arg (NM_001289396.2, NM_139045.4); c.3264C>G, p.Ser1088Arg (NM_001289397.2); short protein forms S1088R, S1146R.
Identifiers: ClinVar variation 4281483 (VCV004281483.7).